The following is an entry in ClinVar:

NM_001005373.4(LRSAM1):c.2119C>T (p.Pro707Ser)

Gene: LRSAM1 (leucine rich repeat and sterile alpha motif containing 1; plus strand). Cytogenetic location: 9q34.11.
Variant type: single nucleotide variant.
Coding change: c.2119C>T on transcript NM_001005373.4 (MANE Select); coding-DNA position 2119, C replaced by T.
Protein change: p.Pro707Ser; replaces proline 707 with serine.
Molecular consequence: missense variant. On other transcripts: non-coding transcript variant (2).
Genome position (GRCh38, 1-based): chr9:127,502,846, C>T. VCF-style: chr9-127502846-C-T. GRCh37 (hg19) VCF-style: chr9-130265125-C-T.
Other names: c.2119C>T, p.Pro707Ser (NM_001005374.4, NM_001384142.1, NM_138361.5); c.2038C>T, p.Pro680Ser (NM_001190723.3); c.2020C>T, p.Pro674Ser (NM_001384143.1); c.1330C>T, p.Pro444Ser (NM_001384144.1); short protein forms P680S, P707S, P444S, P674S.
Identifiers: ClinVar variation 665534 (VCV000665534.10), dbSNP rs1588144707, ClinGen allele CA374939531.

ClinVar aggregate classification (germline): Pathogenic (1 of 4 stars; one submission).

Conditions:
Charcot-Marie-Tooth disease axonal type 2P. Also called: CHARCOT-MARIE-TOOTH NEUROPATHY, TYPE 2P; Charcot-Marie-Tooth Neuropathy Type 2G; CHARCOT-MARIE-TOOTH DISEASE, AXONAL, TYPE 2G; CMT 2G. Identifiers: Orphanet 300319, Orphanet 99941, MedGen C3280797, MONDO:0013753, OMIM 614436.

Submission:

Labcorp Genetics (formerly Invitae), Labcorp
Classification: Pathogenic for Charcot-Marie-Tooth disease axonal type 2P. Last evaluated: 2025-07-07. Review status: criteria provided, single submitter. Criteria: Invitae Variant Classification Sherloc (09022015). Collection method: clinical testing. Allele origin: germline.
Comment: This sequence change replaces proline, which is neutral and non-polar, with serine, which is neutral and polar, at codon 707 of the LRSAM1 protein (p.Pro707Ser). This variant is not present in population databases (gnomAD no frequency). This missense change has been observed in individuals with clinical features of autosomal dominant Charcot-Marie-Tooth disease (internal data). ClinVar contains an entry for this variant (Variation ID: 665534). Invitae Evidence Modeling of protein sequence and biophysical properties (such as structural, functional, and spatial information, amino acid conservation, physicochemical variation, residue mobility, and thermodynamic stability) indicates that this missense variant is expected to disrupt LRSAM1 protein function with a positive predictive value of 80%. This variant disrupts the p.Pro707 amino acid residue in LRSAM1. Other variant(s) that disrupt this residue have been determined to be pathogenic (PMID: 28335037; internal data). This suggests that this residue is clinically significant, and that variants that disrupt this residue are likely to be disease-causing. For these reasons, this variant has been classified as Pathogenic.

Literature cited by the submitters: PubMed 28335037.